The following is an entry in ClinVar:

ClinVar aggregate classification (germline): Uncertain significance (1 of 4 stars; one submission).

Conditions:
Developmental and epileptic encephalopathy 94 (DEE94). Also called: CHD2-Related Neurodevelopmental Disorders; Epileptic encephalopathy, childhood-onset. Identifiers: Orphanet 1942, Orphanet 2382, MedGen C3809278, MONDO:0014150, OMIM 615369.

gnomAD v4.1: 2 of 1,611,498 alleles (0.00012%); highest among the groups gnomAD compares: South Asian, 0.0011%; no homozygotes.

Submission:

Labcorp Genetics (formerly Invitae), Labcorp
Classification: Uncertain significance for Developmental and epileptic encephalopathy 94. Last evaluated: 2023-06-27. Review status: criteria provided, single submitter. Criteria: Invitae Variant Classification Sherloc (09022015). Collection method: clinical testing. Allele origin: germline.
Comment: In summary, the available evidence is currently insufficient to determine the role of this variant in disease. Therefore, it has been classified as a Variant of Uncertain Significance. Advanced modeling of protein sequence and biophysical properties (such as structural, functional, and spatial information, amino acid conservation, physicochemical variation, residue mobility, and thermodynamic stability) performed at Invitae indicates that this missense variant is not expected to disrupt CHD2 protein function. This variant has not been reported in the literature in individuals affected with CHD2-related conditions. This variant is not present in population databases (gnomAD no frequency). This sequence change replaces glycine, which is neutral and non-polar, with valine, which is neutral and non-polar, at codon 1430 of the CHD2 protein (p.Gly1430Val).

NM_001271.4(CHD2):c.4289G>T (p.Gly1430Val)

Gene: CHD2 (chromodomain helicase DNA binding protein 2; plus strand). Cytogenetic location: 15q26.1.
Variant type: single nucleotide variant.
Coding change: c.4289G>T on transcript NM_001271.4 (MANE Select); coding-DNA position 4289, G replaced by T.
Protein change: p.Gly1430Val; replaces glycine 1430 with valine.
Molecular consequence: missense variant.
Genome position (GRCh38, 1-based): chr15:93,004,627, G>T. VCF-style: chr15-93004627-G-T. GRCh37 (hg19) VCF-style: chr15-93547857-G-T.
Other names: short protein forms G1430V.
Identifiers: ClinVar variation 2965517 (VCV002965517.3), dbSNP rs2505607915, ClinGen allele CA393903088.